The following is an entry in ClinVar:

NM_005591.4(MRE11):c.845+4_845+7del

Gene: MRE11 (MRE11 double strand break repair nuclease; minus strand). Cytogenetic location: 11q21.
Variant type: Microsatellite.
Coding change: c.845+4_845+7del on transcript NM_005591.4 (MANE Select); bases 4 to 7 of the intron after coding-DNA position 845, 4 bases deleted (AGTG; older notation c.845+4_845+7delAGTG).
Molecular consequence: splice donor variant.
Genome position (GRCh38, 1-based): chr11:94,471,567-94,471,570, CACT deleted on the plus strand (AGTG on the coding strand, the reverse complement: MRE11 is on the minus strand); deleting any 4 consecutive bases within chr11:94,471,567-94,471,574 gives the same sequence; the c. name uses the placement nearest the transcript's 3' end. VCF-style (leftmost placement, unchanged base first): chr11-94471566-ACACT-A. GRCh37 (hg19) VCF-style: chr11-94204732-ACACT-A.
Other names: c.845+4_845+7del (NM_001330347.2, NM_005590.4).
Identifiers: ClinVar variation 945720 (VCV000945720.7), dbSNP rs1946711646, ClinGen allele CA1139662135.

ClinVar aggregate classification (germline): Uncertain significance (1 of 4 stars; one submission).

Conditions:
Ataxia-telangiectasia-like disorder (ATLD). Identifiers: MedGen C1858391, MONDO:0011457.

Submission:

Labcorp Genetics (formerly Invitae), Labcorp
Classification: Uncertain significance for Ataxia-telangiectasia-like disorder. Last evaluated: 2023-07-17. Review status: criteria provided, single submitter. Criteria: Invitae Variant Classification Sherloc (09022015). Collection method: clinical testing. Allele origin: germline.
Comment: In summary, the available evidence is currently insufficient to determine the role of this variant in disease. Therefore, it has been classified as a Variant of Uncertain Significance. Variants that disrupt the consensus splice site are a relatively common cause of aberrant splicing (PMID: 17576681, 9536098). Algorithms developed to predict the effect of sequence changes on RNA splicing suggest that this variant may disrupt the consensus splice site. ClinVar contains an entry for this variant (Variation ID: 945720). This variant has not been reported in the literature in individuals affected with MRE11-related conditions. This variant is not present in population databases (gnomAD no frequency). This sequence change falls in intron 8 of the MRE11 gene. It does not directly change the encoded amino acid sequence of the MRE11 protein. It affects a nucleotide within the consensus splice site.

Literature cited by the submitters: PubMed 17576681; PubMed 9536098.